The following is an entry in ClinVar:

NM_005591.4(MRE11):c.23A>T (p.Asp8Val)

Gene: MRE11 (MRE11 double strand break repair nuclease; minus strand). Cytogenetic location: 11q21.
Variant type: single nucleotide variant.
Coding change: c.23A>T on transcript NM_005591.4 (MANE Select); coding-DNA position 23, A replaced by T.
Protein change: p.Asp8Val; replaces aspartic acid 8 with valine.
Molecular consequence: missense variant.
Genome position (GRCh38, 1-based): chr11:94,490,963, T>A on the plus strand (A>T on the coding strand, the complement: MRE11 is on the minus strand). VCF-style: chr11-94490963-T-A. GRCh37 (hg19) VCF-style: chr11-94224129-T-A.
Other names: c.23A>T, p.Asp8Val (NM_001330347.2, NM_005590.4); short protein forms D8V.
Identifiers: ClinVar variation 821216 (VCV000821216.5), dbSNP rs1591726907, ClinGen allele CA382381175.

ClinVar aggregate classification (germline): Uncertain significance (1 of 4 stars; one submission).

Conditions:
Hereditary cancer-predisposing syndrome. Also called: Neoplastic Syndromes, Hereditary; Tumor predisposition; Hereditary Cancer Syndrome; Hereditary neoplastic syndrome. Identifiers: Orphanet 140162, MedGen C0027672, MeSH D009386, MONDO:0015356.

Submission:

Ambry Genetics
Classification: Uncertain significance for Hereditary cancer-predisposing syndrome. Last evaluated: 2025-07-17. Review status: criteria provided, single submitter. Criteria: Ambry Variant Classification Scheme 2023. Collection method: clinical testing. Allele origin: germline.
Comment: The p.D8V variant (also known as c.23A>T), located in coding exon 2 of the MRE11A gene, results from an A to T substitution at nucleotide position 23. The aspartic acid at codon 8 is replaced by valine, an amino acid with highly dissimilar properties. This amino acid position is highly conserved in available vertebrate species. In addition, the in silico prediction for this alteration is inconclusive. Since supporting evidence is limited at this time, the clinical significance of this alteration remains unclear.